The following is an entry in ClinVar:

NM_014727.3(KMT2B):c.2735C>T (p.Ala912Val)

Gene: KMT2B (lysine methyltransferase 2B; plus strand). Cytogenetic location: 19q13.12.
Variant type: single nucleotide variant.
Coding change: c.2735C>T on transcript NM_014727.3 (MANE Select); coding-DNA position 2735, C replaced by T.
Protein change: p.Ala912Val; replaces alanine 912 with valine.
Molecular consequence: missense variant.
Genome position (GRCh38, 1-based): chr19:35,723,007, C>T. VCF-style: chr19-35723007-C-T. GRCh37 (hg19) VCF-style: chr19-36213909-C-T.
Other names: short protein forms A912V.
Identifiers: ClinVar variation 750977 (VCV000750977.10), dbSNP rs370197264, ClinGen allele CA9384559.

ClinVar aggregate classification (germline): Conflicting classifications of pathogenicity. Review status: criteria provided, conflicting classifications (1 of 4 stars). 2 submissions from 2 submitters: Uncertain significance (1); Likely benign (1). Last evaluated 2025-12-27.

Allele frequency attached by ClinVar (database versions not stated): gnomAD 0.00006; ExAC 0.00009; ESP Exome Variant Server 0.00008; gnomAD exomes 0.00010; TOPMed 0.00008.
gnomAD v4.1: 73 of 1,598,858 alleles (0.0046%); highest among the groups gnomAD compares: Middle Eastern, 0.017%; no homozygotes.

Submissions (2):

Dasa
Classification: Uncertain significance. Last evaluated: 2025-12-27. Review status: criteria provided, single submitter. Criteria: DASA Assertion Criteria. Collection method: clinical testing. Allele origin: germline.
Comment: NM_014727.3(KMT2B):c.2735C>T (p.Ala912Val) is a missense variant that results in the substitution of alanine with valine. This variant is rare in population databases. The currently available literature and clinical evidence are not sufficient to establish a definitive association between this variant and the reported condition. Therefore, this variant is classified as a variant of uncertain significance.

Labcorp Genetics (formerly Invitae), Labcorp
Classification: Likely benign. Last evaluated: 2025-11-10. Review status: criteria provided, single submitter. Criteria: Invitae Variant Classification Sherloc (09022015). Collection method: clinical testing. Allele origin: germline.